The following is an entry in ClinVar:

NM_004035.7(ACOX1):c.1016A>G (p.Tyr339Cys)

Gene: ACOX1 (acyl-CoA oxidase 1; minus strand). Cytogenetic location: 17q25.1.
Variant type: single nucleotide variant.
Coding change: c.1016A>G on transcript NM_004035.7 (MANE Select); coding-DNA position 1016, A replaced by G.
Protein change: p.Tyr339Cys; replaces tyrosine 339 with cysteine.
Molecular consequence: missense variant.
Genome position (GRCh38, 1-based): chr17:75,951,506, T>C on the plus strand (A>G on the coding strand, the complement: ACOX1 is on the minus strand). VCF-style: chr17-75951506-T-C. GRCh37 (hg19) VCF-style: chr17-73947587-T-C.
Other names: c.902A>G, p.Tyr301Cys (NM_001185039.2); c.1016A>G, p.Tyr339Cys (NM_007292.6); c.1016A>G (NM_004035.6); short protein forms Y301C, Y339C.
Identifiers: ClinVar variation 3669236 (VCV003669236.3).

ClinVar aggregate classification (germline): Uncertain significance. Review status: criteria provided, multiple submitters, no conflicts (2 of 4 stars). 2 submissions from 2 submitters: Uncertain significance (2). Last evaluated 2026-03-17.

Conditions:
Acyl-CoA oxidase deficiency. Also called: Pseudoneonatal adrenoleukodystrophy; Peroxisomal acyl-CoA oxidase deficiency; STRAIGHT-CHAIN ACYL-CoA OXIDASE DEFICIENCY. Identifiers: Orphanet 2971, MedGen C1849678, MONDO:0009919, OMIM 264470. Disease mechanism: loss of function.
ACOX1-related disorder. Also called: ACOX1-related disorders; ACOX1-related condition.

gnomAD v4.1: 3 of 1,614,024 alleles (0.00019%); highest among the groups gnomAD compares: African/African-American, 0.004%; no homozygotes.

Submissions (2):

PreventionGenetics, part of Exact Sciences
Classification: Uncertain significance for ACOX1-related condition. Last evaluated: 2026-03-17. Review status: criteria provided, single submitter. Criteria: ACMG Guidelines, 2015. Collection method: clinical testing. Allele origin: germline.
Comment: The ACOX1 c.1016A>G variant is predicted to result in the amino acid substitution p.Tyr339Cys. To our knowledge, this variant has not been reported in the literature. This variant is reported in 0.012% of alleles in individuals of African descent in gnomAD. At this time, the clinical significance of this variant is uncertain due to the absence of conclusive functional and genetic evidence.

Labcorp Genetics (formerly Invitae), Labcorp
Classification: Uncertain significance for Acyl-CoA oxidase deficiency. Last evaluated: 2024-05-14. Review status: criteria provided, single submitter. Criteria: Invitae Variant Classification Sherloc (09022015). Collection method: clinical testing. Allele origin: germline.
Comment: This sequence change replaces tyrosine, which is neutral and polar, with cysteine, which is neutral and slightly polar, at codon 339 of the ACOX1 protein (p.Tyr339Cys). This variant is present in population databases (rs779102201, gnomAD 0.01%). This variant has not been reported in the literature in individuals affected with ACOX1-related conditions. Advanced modeling of protein sequence and biophysical properties (such as structural, functional, and spatial information, amino acid conservation, physicochemical variation, residue mobility, and thermodynamic stability) performed at Invitae indicates that this missense variant is expected to disrupt ACOX1 protein function with a positive predictive value of 80%. In summary, the available evidence is currently insufficient to determine the role of this variant in disease. Therefore, it has been classified as a Variant of Uncertain Significance.